The following is an entry in ClinVar:

Conditions:
Long QT syndrome 5 (LQT5). Identifiers: Orphanet 101016, Orphanet 768, MedGen C1867904, MONDO:0013372, OMIM 613695.

Submission:

Roden Lab, Vanderbilt University Medical Center
No classification provided (evidence only). Condition: Long QT syndrome 5. Review status: no classification provided. Collection method: in vitro. Allele origin: not applicable. Functional consequence: Effect on ion channel function.
ClinVar note: "not provided" was previously submitted as the classification for the variant. However, the classification appeared to be based only on an observation of functional data so it was converted to no classification on 2025-07-30.

NM_000219.6(KCNE1):c.1A>C (p.Met1Leu)

Gene: KCNE1 (potassium voltage-gated channel subfamily E regulatory subunit 1; minus strand). Cytogenetic location: 21q22.12.
Variant type: single nucleotide variant.
Coding change: c.1A>C on transcript NM_000219.6 (MANE Select); coding-DNA position 1, A replaced by C.
Protein change: p.Met1Leu; changes the start codon (methionine 1).
Molecular consequence: missense variant, initiator codon variant.
Genome position (GRCh38, 1-based): chr21:34,449,634, T>G on the plus strand (A>C on the coding strand, the complement: KCNE1 is on the minus strand). VCF-style: chr21-34449634-T-G. GRCh37 (hg19) VCF-style: chr21-35821932-T-G.
Other names: c.1A>C, p.Met1Leu (NM_001127668.4, NM_001127669.4, NM_001127670.4 and 4 more transcripts); short protein forms M1L.
Identifiers: ClinVar variation 3373770 (VCV003373770.2).
Genomic context (GRCh38, chr21:34,449,634, plus strand): 5'-CTGTCTCCTGCCACAGCTTGGTCAGAAAGGGCGTCACCGCTGTGGTGTTAGACAGGATCA[T>G]CCTGGGCATTAAGGTTCCACTGCTGCAGCTCAAACTTCCCAGGCACACCTCTTAAAGGAA-3'
Protein context (NP_000210.2, residues 1-11): [Met1Leu]ILSNTTAVTP